The following is an entry in ClinVar:

ClinVar aggregate classification (germline): Uncertain significance. Review status: criteria provided, multiple submitters, no conflicts (2 of 4 stars). 2 submissions from 2 submitters: Uncertain significance (2). Last evaluated 2025-09-23.

Conditions:
STRC-related disorder. Also called: STRC-related condition.

Submissions (2):

PreventionGenetics, part of Exact Sciences
Classification: Uncertain significance for STRC-related condition. Last evaluated: 2025-09-23. Review status: criteria provided, single submitter. Criteria: ACMG Guidelines, 2015. Collection method: clinical testing. Allele origin: germline.
Comment: The STRC c.2614C>T variant is predicted to result in the amino acid substitution p.Pro872Ser. This variant was reported in at least two patients with non-syndromic hearing loss who also had a STRC whole gene deletion (Table S2, Shearer et al. 2014. PubMed ID: 24963352; Table S3, Sloan-Heggen et al. 2016. PubMed ID: 26969326; Table 2, Kim et al. 2020. PubMed ID: 32203226). This variant is reported in 0.052% of alleles in individuals of East Asian descent in gnomAD. While we suspect this variant may be pathogenic, at this time, the clinical significance of this variant is uncertain due to the absence of conclusive functional and genetic evidence.

Laboratory for Molecular Medicine, Mass General Brigham Personalized Medicine
Classification: Uncertain significance. Last evaluated: 2019-12-23. Review status: criteria provided, single submitter. Criteria: LMM Criteria. Collection method: clinical testing. Allele origin: germline. Observed: 1 variant allele.
Comment: Variant classified as Uncertain Significance - Favor Pathogenic. The p.Pro872Ser variant in STRC has been previously reported in 1 individual with hearing loss who also harbored an STRC deletion on the other allele. This variant has also been identified in 0.05% (3/5774) of East Asian chromosomes by gnomAD. Computational prediction tools and conservation analyses do not provide strong support for or against an impact to the protein. In summary, while there is some suspicion for a pathogenic role, the clinical significance of the p.Pro872Ser variant is uncertain. ACMG/AMP Criteria applied: PM3_Strong, PM2_Supporting.

Literature cited by the submitters: PubMed 26969326 (cited by Laboratory for Molecular Medicine, Mass General Brigham Personalized Medicine).

NM_153700.2(STRC):c.2614C>T (p.Pro872Ser)

Gene: STRC (stereocilin; minus strand). Cytogenetic location: 15q15.3.
Variant type: single nucleotide variant.
Coding change: c.2614C>T on transcript NM_153700.2 (MANE Select); coding-DNA position 2614, C replaced by T.
Protein change: p.Pro872Ser; replaces proline 872 with serine.
Molecular consequence: missense variant.
Genome position (GRCh38, 1-based): chr15:43,613,098, G>A on the plus strand (C>T on the coding strand, the complement: STRC is on the minus strand). VCF-style: chr15-43613098-G-A. GRCh37 (hg19) VCF-style: chr15-43905296-G-A.
Other names: short protein forms P872S.
Identifiers: ClinVar variation 930020 (VCV000930020.6), dbSNP rs1187842173, ClinGen allele CA392178313.